The following is an entry in ClinVar:

NM_002180.3(IGHMBP2):c.2959C>T (p.Arg987Trp)

Gene: IGHMBP2 (immunoglobulin mu DNA binding protein 2; plus strand). Cytogenetic location: 11q13.3.
Variant type: single nucleotide variant.
Coding change: c.2959C>T on transcript NM_002180.3 (MANE Select); coding-DNA position 2959, C replaced by T.
Protein change: p.Arg987Trp; replaces arginine 987 with tryptophan.
Molecular consequence: missense variant.
Genome position (GRCh38, 1-based): chr11:68,939,708, C>T. VCF-style: chr11-68939708-C-T. GRCh37 (hg19) VCF-style: chr11-68707176-C-T.
Other names: short protein forms R987W.
Identifiers: ClinVar variation 657284 (VCV000657284.6), dbSNP rs1440519538, ClinGen allele CA381655236.

ClinVar aggregate classification (germline): Uncertain significance. Review status: criteria provided, multiple submitters, no conflicts (2 of 4 stars). 2 submissions from 2 submitters: Uncertain significance (2). Last evaluated 2022-06-13.

Conditions:
Autosomal recessive distal spinal muscular atrophy 1. Also called: SEVERE INFANTILE AXONAL NEUROPATHY WITH RESPIRATORY FAILURE; SPINAL MUSCULAR ATROPHY, DIAPHRAGMATIC; Spinal muscular atrophy with respiratory distress 1; HMN VI; NEURONOPATHY, DISTAL HEREDITARY MOTOR, HARDING TYPE VI; NEUROPATHY, DISTAL HEREDITARY MOTOR, AUTOSOMAL RECESSIVE 1. Identifiers: Orphanet 98920, MedGen C1858517, MONDO:0011436, OMIM 604320.
Charcot-Marie-Tooth disease axonal type 2S. Also called: CHARCOT-MARIE-TOOTH NEUROPATHY, TYPE 2S; CHARCOT-MARIE-TOOTH DISEASE, AXONAL, AUTOSOMAL RECESSIVE, TYPE 2S. Identifiers: Orphanet 443073, MedGen C4015349, MONDO:0014511, OMIM 616155.

Allele frequency attached by ClinVar (database versions not stated): TOPMed 0.00001; gnomAD exomes below 0.00001.
gnomAD v4.1: 18 of 1,611,370 alleles (0.0011%); highest among the groups gnomAD compares: Non-Finnish European, 0.0014%; no homozygotes.

Submissions (2):

Labcorp Genetics (formerly Invitae), Labcorp
Classification: Uncertain significance for Autosomal recessive distal spinal muscular atrophy 1; Charcot-Marie-Tooth disease axonal type 2S. Last evaluated: 2022-06-13. Review status: criteria provided, single submitter. Criteria: Invitae Variant Classification Sherloc (09022015). Collection method: clinical testing. Allele origin: germline.
Comment: This sequence change replaces arginine, which is basic and polar, with tryptophan, which is neutral and slightly polar, at codon 987 of the IGHMBP2 protein (p.Arg987Trp). The frequency data for this variant in the population databases is considered unreliable, as metrics indicate poor data quality at this position in the gnomAD database. This missense change has been observed in individual(s) with clinical features of IGHMBP2-related conditions (Invitae). ClinVar contains an entry for this variant (Variation ID: 657284). Advanced modeling of protein sequence and biophysical properties (such as structural, functional, and spatial information, amino acid conservation, physicochemical variation, residue mobility, and thermodynamic stability) performed at Invitae indicates that this missense variant is not expected to disrupt IGHMBP2 protein function. In summary, the available evidence is currently insufficient to determine the role of this variant in disease. Therefore, it has been classified as a Variant of Uncertain Significance.

Illumina Laboratory Services, Illumina
Classification: Uncertain significance for Autosomal recessive distal spinal muscular atrophy 1. Last evaluated: 2018-01-13. Review status: criteria provided, single submitter. Criteria: ICSL Variant Classification Criteria 13 December 2019. Collection method: clinical testing. Allele origin: germline.